The following is an entry in ClinVar:

ClinVar aggregate classification (germline): Uncertain significance. Review status: criteria provided, multiple submitters, no conflicts (2 of 4 stars). 2 submissions from 2 submitters: Uncertain significance (2). Last evaluated 2025-05-09.

Conditions:
Pulmonary fibrosis and/or bone marrow failure, Telomere-related, 1. Also called: PULMONARY FIBROSIS AND/OR BONE MARROW FAILURE SYNDROME, TELOMERE-RELATED, 1. Identifiers: Orphanet 88, MedGen C3553617, MONDO:0013878, OMIM 614742.
Dyskeratosis congenita. Identifiers: Orphanet 1775, MedGen C0265965, MONDO:0015780.

Allele frequency attached by ClinVar (database versions not stated): gnomAD exomes below 0.00001; TOPMed below 0.00001.
gnomAD v4.1: 1 of 1,614,106 alleles (0.000062%); highest among the groups gnomAD compares: Non-Finnish European, 0.000085%; no homozygotes.

Submissions (2):

Ambry Genetics
Classification: Uncertain significance for Dyskeratosis congenita. Last evaluated: 2025-05-09. Review status: criteria provided, single submitter. Criteria: Ambry Variant Classification Scheme 2023. Collection method: clinical testing. Allele origin: germline.
Comment: The p.L987V variant (also known as c.2959C>G), located in coding exon 12 of the TERT gene, results from a C to G substitution at nucleotide position 2959. The leucine at codon 987 is replaced by valine, an amino acid with highly similar properties. This amino acid position is well conserved in available vertebrate species. In addition, this alteration is predicted to be tolerated by in silico analysis. Based on the available evidence, the clinical significance of this variant remains unclear.

Department of Medical Genomics, Royal Prince Alfred Hospital
Classification: Uncertain significance for Pulmonary fibrosis and/or bone marrow failure, Telomere-related, 1. Last evaluated: 2022-07-14. Review status: criteria provided, single submitter. Criteria: ACMG Guidelines, 2015. Collection method: clinical testing. Allele origin: unknown. Inheritance: Autosomal dominant inheritance. Affected: yes. Observed: 1 heterozygote.
Comment: The variant is absent from control population. In silico studies did not suggest the variant to be damaging (REVEL 0.275). However the variant is located within an essential region of the C-terminal extension domain (Banik PMID: 12167716). Missense variants in TERT have been associated with familial pulmonary fibrosis (gnomAD missense Z score 4.88). The current evidence classifiies this variant as a variant of uncertain significance (ACMG criteria: PM2_supporting, PP2).

NM_198253.3(TERT):c.2959C>G (p.Leu987Val)

Gene: TERT (telomerase reverse transcriptase; minus strand). Cytogenetic location: 5p15.33.
Variant type: single nucleotide variant.
Coding change: c.2959C>G on transcript NM_198253.3 (MANE Select); coding-DNA position 2959, C replaced by G.
Protein change: p.Leu987Val; replaces leucine 987 with valine.
Molecular consequence: missense variant. On other transcripts: non-coding transcript variant (2).
Genome position (GRCh38, 1-based): chr5:1,260,485, G>C on the plus strand (C>G on the coding strand, the complement: TERT is on the minus strand). VCF-style: chr5-1260485-G-C. GRCh37 (hg19) VCF-style: chr5-1260600-G-C.
Other names: c.2770C>G, p.Leu924Val (NM_001193376.3); c.2959C>G (NM_198253.2); short protein forms L924V, L987V.
Identifiers: ClinVar variation 1696408 (VCV001696408.5), dbSNP rs1748147415, ClinGen allele CA359069616.
Genomic context (GRCh38, chr5:1,260,485, plus strand): 5'-CACACACCTCCTGAACTCTGAACTCTGTGCTGACCATCAGCCTGCTCACCTGCAAATCCA[G>C]AAACAGGCTGTGACACTTCAGCCGCAAGACCCCAAAGAGTTTGCGACGCATGTTCCTCCC-3'
Protein context (NP_937983.2, residues 977-997): VLRLKCHSLF[Leu987Val]DLQVNSLQTV